The following is an entry in ClinVar:

ClinVar aggregate classification (germline): Uncertain significance (1 of 4 stars; one submission).

Conditions:
Perlman syndrome (PRLMNS). Identifiers: Orphanet 2849, MedGen C0796113, MONDO:0009965, OMIM 267000.

Allele frequency attached by ClinVar (database versions not stated): gnomAD exomes below 0.00001; ExAC 0.00001; gnomAD 0.00002; TOPMed 0.00003.
gnomAD v4.1: 5 of 1,613,930 alleles (0.00031%); highest among the groups gnomAD compares: African/African-American, 0.004%; no homozygotes.

Submission:

Labcorp Genetics (formerly Invitae), Labcorp
Classification: Uncertain significance for Perlman syndrome. Last evaluated: 2025-04-23. Review status: criteria provided, single submitter. Criteria: Invitae Variant Classification Sherloc (09022015). Collection method: clinical testing. Allele origin: germline.
Comment: This sequence change replaces leucine, which is neutral and non-polar, with arginine, which is basic and polar, at codon 253 of the DIS3L2 protein (p.Leu253Arg). This variant is present in population databases (rs777394342, gnomAD 0.01%). This variant has not been reported in the literature in individuals affected with DIS3L2-related conditions. ClinVar contains an entry for this variant (Variation ID: 952458). Invitae Evidence Modeling of protein sequence and biophysical properties (such as structural, functional, and spatial information, amino acid conservation, physicochemical variation, residue mobility, and thermodynamic stability) indicates that this missense variant is not expected to disrupt DIS3L2 protein function with a negative predictive value of 80%. In summary, the available evidence is currently insufficient to determine the role of this variant in disease. Therefore, it has been classified as a Variant of Uncertain Significance.

NM_152383.5(DIS3L2):c.758T>G (p.Leu253Arg)

Gene: DIS3L2 (DIS3 like 3'-5' exoribonuclease 2; plus strand). Cytogenetic location: 2q37.1.
Variant type: single nucleotide variant.
Coding change: c.758T>G on transcript NM_152383.5 (MANE Select); coding-DNA position 758, T replaced by G.
Protein change: p.Leu253Arg; replaces leucine 253 with arginine.
Molecular consequence: missense variant. On other transcripts: non-coding transcript variant (1).
Genome position (GRCh38, 1-based): chr2:232,136,527, T>G. VCF-style: chr2-232136527-T-G. GRCh37 (hg19) VCF-style: chr2-233001237-T-G.
Other names: c.758T>G, p.Leu253Arg (NM_001257281.2); short protein forms L253R.
Identifiers: ClinVar variation 952458 (VCV000952458.9), dbSNP rs777394342, ClinGen allele CA2163943.
Genomic context (GRCh38, chr2:232,136,527, plus strand): 5'-TTTAGGTGGTTTACATCTTGGAGAAAAAACATTCTCGAGCAGCAACCGGCTTCCTCAAAC[T>G]CTTGGCTGATAAGAACAGCGAACTGTTTAGGAAATACGCCCTGTTTTCTCCCTCAGACCA-3'
Protein context (NP_689596.4, residues 243-263): HSRAATGFLK[Leu253Arg]LADKNSELFR